The following is an entry in ClinVar:

NM_000256.3(MYBPC3):c.3624dup (p.Lys1209fs)

Gene: MYBPC3 (myosin binding protein C3; minus strand). Cytogenetic location: 11p11.2.
Variant type: Duplication.
Coding change: c.3624dup on transcript NM_000256.3 (MANE Select); coding-DNA position 3624, one base duplicated (C; older notation c.3624dupC).
Protein change: p.Lys1209fs; shifts the reading frame from lysine 1209.
Genome position (GRCh38, 1-based): chr11:47,332,569, G duplicated on the plus strand (C on the coding strand, the reverse complement: MYBPC3 is on the minus strand); the first of 4 consecutive G bases (chr11:47,332,569-47,332,572); duplicating any one gives the same sequence. VCF-style (leftmost placement, unchanged base first): chr11-47332568-T-TG. GRCh37 (hg19) VCF-style: chr11-47354119-T-TG.
Other names: p.Lys1209GlnfsX33; c.3624dupC (NM_000256.3); short protein forms K1209fs.
Identifiers: ClinVar variation 42726 (VCV000042726.10), dbSNP rs397516029, ClinGen allele CA014487.

ClinVar aggregate classification (germline): Pathogenic/Likely pathogenic. Review status: criteria provided, multiple submitters, no conflicts (2 of 4 stars). 4 submissions from 4 submitters: Pathogenic (3); Likely pathogenic (1). Last evaluated 2025-05-29.

Conditions:
Hypertrophic cardiomyopathy 4. Also called: Familial hypertrophic cardiomyopathy 4. Identifiers: MedGen C1861862, MONDO:0007268, OMIM 115197.
Hypertrophic cardiomyopathy. Also called: HYPERTROPHIC MYOCARDIOPATHY. Identifiers: Orphanet 217569, MedGen C0007194, MeSH D002312, MONDO:0005045, HP:0001639.

Submissions (4):

Dasa
Classification: Pathogenic. Last evaluated: 2025-05-29. Review status: criteria provided, single submitter. Criteria: DASA Assertion Criteria. Collection method: clinical testing. Allele origin: germline.
Comment: NM_000256.3(MYBPC3):c.3624dup (p.Lys1209Glnfs*33) introduces a premature termination codon predicted to result in loss of normal protein function. Loss-of-function is an established mechanism of disease for this gene. This variant has been recurrently observed in individuals with related phenotype (PMID: 24093860; PMID: 25611685; PMID: 27532257). The variant is present at low frequency in population datasets. Based on the available data, this variant is classified as pathogenic.

Labcorp Genetics (formerly Invitae), Labcorp
Classification: Pathogenic for Hypertrophic cardiomyopathy. Last evaluated: 2025-03-19. Review status: criteria provided, single submitter. Criteria: Invitae Variant Classification Sherloc (09022015). Collection method: clinical testing. Allele origin: germline.
Comment: This sequence change creates a premature translational stop signal (p.Lys1209Glnfs*33) in the MYBPC3 gene. It is expected to result in an absent or disrupted protein product. Loss-of-function variants in MYBPC3 are known to be pathogenic (PMID: 19574547). This variant is not present in population databases (gnomAD no frequency). This premature translational stop signal has been observed in individual(s) with hypertrophic cardiomypathy (PMID: 24093860, 25611685, 27532257). ClinVar contains an entry for this variant (Variation ID: 42726). For these reasons, this variant has been classified as Pathogenic.

Laboratory for Molecular Medicine, Mass General Brigham Personalized Medicine
Classification: Pathogenic for Hypertrophic cardiomyopathy. Last evaluated: 2014-02-24. Review status: criteria provided, single submitter. Criteria: LMM Criteria. Collection method: clinical testing. Allele origin: germline. Inheritance: Autosomal dominant inheritance. Observed: 5 variant alleles.

Laboratory of Genetics and Molecular Cardiology, University of São Paulo
Classification: Likely pathogenic for Hypertrophic cardiomyopathy 4. Review status: criteria provided, single submitter. Criteria: LGCM Criteria August 2015. Collection method: clinical testing. Allele origin: germline. Inheritance: Autosomal dominant inheritance. Affected: yes. Observed: 1 variant allele. Study: Sarcomeric Human Cardiomyopathy Registry (ShaRe).

Literature cited by the submitters: PubMed 24093860 (cited by Dasa and Labcorp Genetics (formerly Invitae), Labcorp); PubMed 25611685 (cited by Dasa and Labcorp Genetics (formerly Invitae), Labcorp); PubMed 27532257 (cited by Dasa and Labcorp Genetics (formerly Invitae), Labcorp); PubMed 19574547 (cited by Labcorp Genetics (formerly Invitae), Labcorp); PubMed 20128375 (cited by Laboratory for Molecular Medicine, Mass General Brigham Personalized Medicine).